The following is an entry in ClinVar:

NM_005428.4(VAV1):c.381-8C>A

Gene: VAV1 (vav guanine nucleotide exchange factor 1; plus strand). Cytogenetic location: 19p13.3.
Variant type: single nucleotide variant.
Coding change: c.381-8C>A on transcript NM_005428.4 (MANE Select); 8 bases into the intron before coding-DNA position 381, C replaced by A.
Molecular consequence: intron variant.
Genome position (GRCh38, 1-based): chr19:6,821,783, C>A. VCF-style: chr19-6821783-C-A. GRCh37 (hg19) VCF-style: chr19-6821794-C-A.
Other names: c.381-8C>A (NM_001258206.2, NM_001258207.2).
Identifiers: ClinVar variation 626044 (VCV000626044.9), dbSNP rs780032946, ClinGen allele CA9132214.
Genomic context (GRCh38, chr19:6,821,783, plus strand): 5'-CCCCCTCCCTGAAGCCCCACTTCTACCCAGCCCCCAGGCCCCTGGCTCACACCCTCCTGA[C>A]CCCCCAGGCCCTTCCCCACCGAGGAGGAGAGTGTAGGTGATGAAGACATCTACAGTGGCC-3'

ClinVar aggregate classification (germline): Conflicting classifications of pathogenicity. Review status: criteria provided, conflicting classifications (1 of 4 stars). 2 submissions from 2 submitters: Uncertain significance (1); Likely benign (1). Last evaluated 2025-03-10.

Allele frequency attached by ClinVar (database versions not stated): gnomAD 0.00001; TOPMed 0.00001.
gnomAD v4.1: 22 of 1,613,758 alleles (0.0014%); highest among the groups gnomAD compares: South Asian, 0.016%; no homozygotes.

Submissions (2):

Labcorp Genetics (formerly Invitae), Labcorp
Classification: Likely benign. Last evaluated: 2025-03-10. Review status: criteria provided, single submitter. Criteria: Invitae Variant Classification Sherloc (09022015). Collection method: clinical testing. Allele origin: germline.

Center for Genomics, Ann and Robert H. Lurie Children's Hospital of Chicago
Classification: Uncertain significance. Last evaluated: 2021-11-23. Review status: criteria provided, single submitter. Criteria: ACMG Guidelines, 2015. Collection method: clinical testing. Allele origin: germline.
Comment: VAV1 NM_005428 exon 4 c.381-8C>A: This variant has not been reported in the literature but is present in 4/30778 South Asian alleles in the Genome Aggregation Database. Evolutionary conservation and computational predictive tools for this variant are limited or unavailable. This variant is an intronic variant with no predicted change in the amino acid sequence but may have an unknown effect on splicing. Further studies are needed to understand its impact. In summary, data on this variant is insufficient for disease classification. Therefore, the clinical significance of this variant is uncertain.